The following is an entry in ClinVar:

ClinVar aggregate classification (germline): Pathogenic (1 of 4 stars; one submission).

Submission:

GeneDx
Classification: Pathogenic. Last evaluated: 2017-07-11. Review status: criteria provided, single submitter. Criteria: GeneDx Variant Classification (06012015). Collection method: clinical testing. Allele origin: germline. Affected: yes.
Comment: The c.244delG variant in the EBF3 gene has been observed in internal GeneDx whole exome sequencing data in association with intellectual disability, autistic features, behavioral differences, hypotonia, short stature, and facial dysmorphism. The c.244delG variant causes a frameshift starting with codon Valine 82, changes this amino acid to a Tryptophan residue, and creates a premature Stop codon at position 50 of the new reading frame, denoted p.Val82TrpfsX50. This variant is predicted to cause loss of normal protein function either through protein truncation or nonsense-mediated mRNA decay. The c.244delG variant is not observed in large population cohorts (Lek et al., 2016; 1000 Genomes Consortium et al., 2015; Exome Variant Server). We interpret c.244delG as a pathogenic variant.

NM_001375380.1(EBF3):c.244del (p.Val82fs)

Gene: EBF3 (EBF transcription factor 3; minus strand). Cytogenetic location: 10q26.3.
Variant type: Deletion.
Coding change: c.244del on transcript NM_001375380.1 (MANE Select); coding-DNA position 244, one base deleted (G; older notation c.244delG).
Protein change: p.Val82fs; shifts the reading frame from valine 82.
Molecular consequence: frameshift variant.
Genome position (GRCh38, 1-based): chr10:129,963,414, C deleted on the plus strand (G on the coding strand, the reverse complement: EBF3 is on the minus strand); the first of 2 consecutive C bases (chr10:129,963,414-129,963,415); deleting either gives the same sequence. VCF-style (leftmost placement, unchanged base first): chr10-129963413-AC-A. GRCh37 (hg19) VCF-style: chr10-131761677-AC-A.
Other names: c.244del, p.Val82fs (NM_001005463.3, NM_001375379.1, NM_001375389.1 and 3 more transcripts); short protein forms V82fs.
Identifiers: ClinVar variation 430928 (VCV000430928.2), dbSNP rs1131692259, ClinGen allele CA645372889.